The following is an entry in ClinVar:

ClinVar aggregate classification (germline): Uncertain significance. Review status: criteria provided, multiple submitters, no conflicts (2 of 4 stars). 2 submissions from 2 submitters: Uncertain significance (2). Last evaluated 2023-10-27.

Conditions:
Hereditary cancer-predisposing syndrome. Also called: Tumor predisposition; Hereditary Cancer Syndrome; Neoplastic Syndromes, Hereditary; Hereditary neoplastic syndrome. Identifiers: Orphanet 140162, MedGen C0027672, MeSH D009386, MONDO:0015356.

Allele frequency attached by ClinVar (database versions not stated): gnomAD exomes below 0.00001; gnomAD 0.00001.
gnomAD v4.1: 3 of 1,614,164 alleles (0.00019%); highest among the groups gnomAD compares: East Asian, 0.0022%; no homozygotes.

Submissions (2):

Labcorp Genetics (formerly Invitae), Labcorp
Classification: Uncertain significance for Hereditary cancer-predisposing syndrome. Last evaluated: 2023-10-27. Review status: criteria provided, single submitter. Criteria: Invitae Variant Classification Sherloc (09022015). Collection method: clinical testing. Allele origin: germline.
Comment: This sequence change replaces proline, which is neutral and non-polar, with serine, which is neutral and polar, at codon 30 of the RAD50 protein (p.Pro30Ser). This variant is present in population databases (no rsID available, gnomAD 0.003%). This variant has not been reported in the literature in individuals affected with RAD50-related conditions. ClinVar contains an entry for this variant (Variation ID: 822806). Advanced modeling of protein sequence and biophysical properties (such as structural, functional, and spatial information, amino acid conservation, physicochemical variation, residue mobility, and thermodynamic stability) performed at Invitae indicates that this missense variant is expected to disrupt RAD50 protein function with a positive predictive value of 80%. In summary, the available evidence is currently insufficient to determine the role of this variant in disease. Therefore, it has been classified as a Variant of Uncertain Significance.

Ambry Genetics
Classification: Uncertain significance for Hereditary cancer-predisposing syndrome. Last evaluated: 2018-02-14. Review status: criteria provided, single submitter. Criteria: Ambry Variant Classification Scheme 2023. Collection method: clinical testing. Allele origin: germline.
Comment: The p.P30S variant (also known as c.88C>T), located in coding exon 1 of the RAD50 gene, results from a C to T substitution at nucleotide position 88. The proline at codon 30 is replaced by serine, an amino acid with similar properties. This amino acid position is highly conserved in available vertebrate species. In addition, the in silico prediction for this alteration is inconclusive. Since supporting evidence is limited at this time, the clinical significance of this alteration remains unclear.

NM_005732.4(RAD50):c.88C>T (p.Pro30Ser)

Gene: RAD50 (RAD50 double strand break repair protein; plus strand). Cytogenetic location: 5q31.1.
Variant type: single nucleotide variant.
Coding change: c.88C>T on transcript NM_005732.4 (MANE Select); coding-DNA position 88, C replaced by T.
Protein change: p.Pro30Ser; replaces proline 30 with serine.
Molecular consequence: missense variant.
Genome position (GRCh38, 1-based): chr5:132,557,412, C>T. VCF-style: chr5-132557412-C-T. GRCh37 (hg19) VCF-style: chr5-131893104-C-T.
Other names: short protein forms P30S.
Identifiers: ClinVar variation 822806 (VCV000822806.7), dbSNP rs1321131254, ClinGen allele CA360951557.